The following is an entry in ClinVar:

NM_003072.5(SMARCA4):c.4748A>G (p.Glu1583Gly)

Gene: SMARCA4 (SWI/SNF related BAF chromatin remodeling complex subunit ATPase 4; plus strand). Cytogenetic location: 19p13.2.
Variant type: single nucleotide variant.
Coding change: c.4748A>G on transcript NM_003072.5 (MANE Select); coding-DNA position 4748, A replaced by G.
Protein change: p.Glu1583Gly; replaces glutamic acid 1583 with glycine.
Molecular consequence: missense variant. On other transcripts: non-coding transcript variant (1).
Genome position (GRCh38, 1-based): chr19:11,059,865, A>G. VCF-style: chr19-11059865-A-G. GRCh37 (hg19) VCF-style: chr19-11170541-A-G.
Other names: c.4748A>G, p.Glu1583Gly (NM_001128844.3); c.4658A>G, p.Glu1553Gly (NM_001128845.2); c.4655A>G, p.Glu1552Gly (NM_001128846.2); c.4649A>G, p.Glu1550Gly (NM_001128847.4, NM_001374457.1); c.4646A>G, p.Glu1549Gly (NM_001128848.2); c.4844A>G, p.Glu1615Gly (NM_001128849.3, NM_001387283.1); c.4745A>G, p.Glu1582Gly (NM_001411150.1); short protein forms E1552G, E1582G, E1583G, E1549G, E1550G, E1553G, E1615G.
Identifiers: ClinVar variation 3320742 (VCV003320742.3).

ClinVar aggregate classification (germline): Uncertain significance. Review status: criteria provided, multiple submitters, no conflicts (2 of 4 stars). 2 submissions from 2 submitters: Uncertain significance (2). Last evaluated 2026-01-05.

Conditions:
Rhabdoid tumor predisposition syndrome 2 (RTPS2). Identifiers: Orphanet 231108, Orphanet 69077, MedGen C2750074, MONDO:0013224, OMIM 613325.
Hereditary cancer-predisposing syndrome. Also called: Neoplastic Syndromes, Hereditary; Tumor predisposition; Hereditary neoplastic syndrome; Hereditary Cancer Syndrome. Identifiers: Orphanet 140162, MedGen C0027672, MeSH D009386, MONDO:0015356.

Submissions (2):

Labcorp Genetics (formerly Invitae), Labcorp
Classification: Uncertain significance for Rhabdoid tumor predisposition syndrome 2. Last evaluated: 2026-01-05. Review status: criteria provided, single submitter. Criteria: Invitae Variant Classification Sherloc (09022015). Collection method: clinical testing. Allele origin: germline.
Comment: This sequence change replaces glutamic acid, which is acidic and polar, with glycine, which is neutral and non-polar, at codon 1615 of the SMARCA4 protein (p.Glu1615Gly). This variant is not present in population databases (gnomAD no frequency). This variant has not been reported in the literature in individuals affected with SMARCA4-related conditions. ClinVar contains an entry for this variant (Variation ID: 3320742). Invitae Evidence Modeling of protein sequence and biophysical properties (such as structural, functional, and spatial information, amino acid conservation, physicochemical variation, residue mobility, and thermodynamic stability) indicates that this missense variant is not expected to disrupt SMARCA4 protein function with a negative predictive value of 95%. In summary, the available evidence is currently insufficient to determine the role of this variant in disease. Therefore, it has been classified as a Variant of Uncertain Significance.

Ambry Genetics
Classification: Uncertain significance for Hereditary cancer-predisposing syndrome. Last evaluated: 2024-05-15. Review status: criteria provided, single submitter. Criteria: Ambry Variant Classification Scheme 2023. Collection method: clinical testing. Allele origin: germline.
Comment: The p.E1615G variant (also known as c.4844A>G), located in coding exon 33 of the SMARCA4 gene, results from an A to G substitution at nucleotide position 4844. The glutamic acid at codon 1615 is replaced by glycine, an amino acid with similar properties. This amino acid position is conserved. In addition, the in silico prediction for this alteration is inconclusive. Based on the available evidence, the clinical significance of this variant remains unclear.